The following is an entry in ClinVar:

NM_000443.4(ABCB4):c.1377T>C (p.Asp459=)

Gene: ABCB4 (ATP binding cassette subfamily B member 4; minus strand). Cytogenetic location: 7q21.12.
Variant type: single nucleotide variant.
Coding change: c.1377T>C on transcript NM_000443.4 (MANE Select); coding-DNA position 1377, T replaced by C.
Protein change: p.Asp459=; no amino-acid change (aspartic acid 459 retained).
Molecular consequence: synonymous variant.
Genome position (GRCh38, 1-based): chr7:87,440,382, A>G on the plus strand (T>C on the coding strand, the complement: ABCB4 is on the minus strand). VCF-style: chr7-87440382-A-G. GRCh37 (hg19) VCF-style: chr7-87069698-A-G.
Other names: c.1377T>C, p.Asp459= (NM_018849.3, NM_018850.3); c.1377T>C (NM_000443.3).
Identifiers: ClinVar variation 3014571 (VCV003014571.5), dbSNP rs150346348, ClinGen allele CA4327294.
Genomic context (GRCh38, chr7:87,440,382, plus strand): 5'-CGGCTCCTGACTCACCACACCAATGATTTCCCTCAGATAGTTTACATTAAAGTTCCTAAT[A>G]TCCTGCCCATCAATGTTAATCTGAAAGAAAGAAATATTTCCTATTAAGTATTTAACCATT-3'
Protein context (NP_000434.1, residues 449-469): DEGTINIDGQ[Asp459=]IRNFNVNYLR

ClinVar aggregate classification (germline): Likely benign. Review status: criteria provided, single submitter (1 of 4 stars). 2 submissions from 2 submitters: Likely benign (1). 1 of the submissions does not count toward it. Last evaluated 2025-08-11.

Conditions:
ABCB4-related disorder. Also called: ABCB4-related disorders; ABCB4-related condition.

Allele frequency attached by ClinVar (database versions not stated): ExAC 0.00002; TOPMed 0.00006; 1000 Genomes Project 30x 0.00016; gnomAD exomes 0.00001; 1000 Genomes Project 0.00020; ESP Exome Variant Server 0.00023; gnomAD 0.00004.
gnomAD v4.1: 14 of 1,614,066 alleles (0.00087%); highest among the groups gnomAD compares: African/African-American, 0.016%; no homozygotes.

Submissions (2):

Labcorp Genetics (formerly Invitae), Labcorp
Classification: Likely benign. Last evaluated: 2025-08-11. Review status: criteria provided, single submitter. Criteria: Invitae Variant Classification Sherloc (09022015). Collection method: clinical testing. Allele origin: germline.

PreventionGenetics, part of Exact Sciences
Classification: Likely benign for ABCB4-related condition. Last evaluated: 2023-10-11. Review status: no assertion criteria provided. Collection method: clinical testing. Allele origin: germline. Not counted in ClinVar's aggregate classification.
Comment: This variant is classified as likely benign based on ACMG/AMP sequence variant interpretation guidelines (Richards et al. 2015 PMID: 25741868, with internal and published modifications).